The following is an entry in ClinVar:

ClinVar aggregate classification (germline): Uncertain significance (1 of 4 stars; one submission).

Allele frequency attached by ClinVar (database versions not stated): gnomAD 0.00002; TOPMed 0.00006; ESP Exome Variant Server 0.00008; ExAC 0.00011.
gnomAD v4.1: 42 of 1,612,236 alleles (0.0026%); highest among the groups gnomAD compares: Admixed American, 0.043%; no homozygotes.

Submission:

Labcorp Genetics (formerly Invitae), Labcorp
Classification: Uncertain significance. Last evaluated: 2022-01-03. Review status: criteria provided, single submitter. Criteria: Invitae Variant Classification Sherloc (09022015). Collection method: clinical testing. Allele origin: germline.
Comment: This sequence change replaces arginine, which is basic and polar, with cysteine, which is neutral and slightly polar, at codon 46 of the CEP63 protein (p.Arg46Cys). This variant is present in population databases (rs373820907, gnomAD 0.07%). This variant has not been reported in the literature in individuals affected with CEP63-related conditions. Algorithms developed to predict the effect of missense changes on protein structure and function (SIFT, PolyPhen-2, Align-GVGD) all suggest that this variant is likely to be disruptive. In summary, the available evidence is currently insufficient to determine the role of this variant in disease. Therefore, it has been classified as a Variant of Uncertain Significance.

NM_001353108.3(CEP63):c.136C>T (p.Arg46Cys)

Gene: CEP63 (centrosomal protein 63; plus strand). Cytogenetic location: 3q22.2.
Variant type: single nucleotide variant.
Coding change: c.136C>T on transcript NM_001353108.3 (MANE Select); coding-DNA position 136, C replaced by T.
Protein change: p.Arg46Cys; replaces arginine 46 with cysteine.
Molecular consequence: missense variant. On other transcripts: 5 prime UTR variant (1), non-coding transcript variant (4).
Genome position (GRCh38, 1-based): chr3:134,507,200, C>T. VCF-style: chr3-134507200-C-T. GRCh37 (hg19) VCF-style: chr3-134226042-C-T.
Other names: c.52C>T, p.Arg18Cys (NM_001353125.2); c.-246C>T (NM_001353126.2); c.136C>T, p.Arg46Cys (NM_025180.5, NM_001042383.2, NM_001042384.2 and 13 more transcripts); c.163C>T, p.Arg55Cys (NM_001353118.1); short protein forms R18C, R55C, R46C.
Identifiers: ClinVar variation 2074315 (VCV002074315.1), dbSNP rs373820907, ClinGen allele CA2628268.